The following is an entry in ClinVar:

ClinVar aggregate classification (germline): Uncertain significance (1 of 4 stars; one submission).

Submission:

Dasa
Classification: Uncertain significance. Last evaluated: 2024-11-17. Review status: criteria provided, single submitter. Criteria: DASA Assertion Criteria. Collection method: clinical testing. Allele origin: germline.
Comment: NM_172107.4(KCNQ2):c.1196G>A (p.Ser399Asn) is a missense variant that results in the substitution of serine with asparagine. This variant is rare in population databases. The currently available literature and clinical evidence are not sufficient to establish a definitive association between this variant and the reported condition. Therefore, this variant is classified as a variant of uncertain significance.

NM_172107.4(KCNQ2):c.1196G>A (p.Ser399Asn)

Gene: KCNQ2 (potassium voltage-gated channel subfamily Q member 2; minus strand). Cytogenetic location: 20q13.33.
Variant type: single nucleotide variant.
Coding change: c.1196G>A on transcript NM_172107.4 (MANE Select); coding-DNA position 1196, G replaced by A.
Protein change: p.Ser399Asn; replaces serine 399 with asparagine.
Molecular consequence: missense variant.
Genome position (GRCh38, 1-based): chr20:63,428,388, C>T on the plus strand (G>A on the coding strand, the complement: KCNQ2 is on the minus strand). VCF-style: chr20-63428388-C-T. GRCh37 (hg19) VCF-style: chr20-62059741-C-T.
Other names: c.1196G>A, p.Ser399Asn (NM_001382235.1, NM_001439003.1, NM_172106.3 and 1 more transcripts); c.1166G>A, p.Ser389Asn (NM_001439004.1, NM_004518.6); short protein forms S389N, S399N.
Identifiers: ClinVar variation 4886176 (VCV004886176.2).